The following is an entry in ClinVar:

ClinVar aggregate classification (germline): Uncertain significance. Review status: criteria provided, multiple submitters, no conflicts (2 of 4 stars). 2 submissions from 2 submitters: Uncertain significance (2). Last evaluated 2025-02-09.

Conditions:
Neurofibromatosis, type 2 (SWNV). Also called: SCHWANNOMATOSIS, VESTIBULAR; NF2-Related Schwannomatosis; BILATERAL ACOUSTIC NEUROFIBROMATOSIS. Identifiers: Orphanet 637, MedGen C0027832, MONDO:0007039, OMIM 101000. Disease mechanism: loss of function.
Hereditary cancer-predisposing syndrome. Also called: Hereditary neoplastic syndrome; Neoplastic Syndromes, Hereditary; Tumor predisposition; Hereditary Cancer Syndrome. Identifiers: Orphanet 140162, MedGen C0027672, MeSH D009386, MONDO:0015356.

Submissions (2):

Ambry Genetics
Classification: Uncertain significance for Hereditary cancer-predisposing syndrome. Last evaluated: 2025-02-09. Review status: criteria provided, single submitter. Criteria: Ambry Variant Classification Scheme 2023. Collection method: clinical testing. Allele origin: germline.
Comment: The p.K294Q variant (also known as c.880A>C), located in coding exon 9 of the NF2 gene, results from an A to C substitution at nucleotide position 880. The lysine at codon 294 is replaced by glutamine, an amino acid with similar properties. This amino acid position is conserved. In addition, this alteration is predicted to be deleterious by in silico analysis. Based on the available evidence, the clinical significance of this variant remains unclear.

Labcorp Genetics (formerly Invitae), Labcorp
Classification: Uncertain significance for Neurofibromatosis, type 2. Last evaluated: 2022-03-10. Review status: criteria provided, single submitter. Criteria: Invitae Variant Classification Sherloc (09022015). Collection method: clinical testing. Allele origin: germline.
Comment: In summary, the available evidence is currently insufficient to determine the role of this variant in disease. Therefore, it has been classified as a Variant of Uncertain Significance. Algorithms developed to predict the effect of missense changes on protein structure and function are either unavailable or do not agree on the potential impact of this missense change (SIFT: "Tolerated"; PolyPhen-2: "Possibly Damaging"; Align-GVGD: "Class C0"). This variant has not been reported in the literature in individuals affected with NF2-related conditions. This variant is not present in population databases (gnomAD no frequency). This sequence change replaces lysine, which is basic and polar, with glutamine, which is neutral and polar, at codon 294 of the NF2 protein (p.Lys294Gln).

NM_000268.4(NF2):c.880A>C (p.Lys294Gln)

Gene: NF2 (NF2, moesin-ezrin-radixin like (MERLIN) tumor suppressor; plus strand). Cytogenetic location: 22q12.2.
Variant type: single nucleotide variant.
Coding change: c.880A>C on transcript NM_000268.4 (MANE Select); coding-DNA position 880, A replaced by C.
Protein change: p.Lys294Gln; replaces lysine 294 with glutamine.
Molecular consequence: missense variant. On other transcripts: non-coding transcript variant (1), intron variant (1).
Genome position (GRCh38, 1-based): chr22:29,665,059, A>C. VCF-style: chr22-29665059-A-C. GRCh37 (hg19) VCF-style: chr22-30061048-A-C.
Other names: c.631A>C, p.Lys211Gln (NM_001407064.1, NM_181830.3, NM_181831.3 and 1 more transcripts); c.346A>C, p.Lys116Gln (NM_001407065.1); c.880A>C, p.Lys294Gln (NM_001407066.1, NM_016418.5, NM_181825.3 and 2 more transcripts); c.649A>C, p.Lys217Gln (NM_001407067.1); c.754A>C, p.Lys252Gln (NM_181828.3, NM_001407055.1); c.757A>C, p.Lys253Gln (NM_181829.3, NM_001407054.1, NM_001407058.1); c.447+22774A>C (NM_181833.3); c.766A>C, p.Lys256Gln (NM_001407053.1, NM_001407056.1); and 2 more; short protein forms K116Q, K208Q, K294Q, K249Q, K217Q, K252Q, K211Q, K253Q.
Identifiers: ClinVar variation 1984582 (VCV001984582.5), dbSNP rs2518624741, ClinGen allele CA411144819.
Genomic context (GRCh38, chr22:29,665,059, plus strand): 5'-AAACCACTGGATAAGAAAATTGATGTCTTCAAGTTTAACTCCTCAAAGCTTCGTGTTAAT[A>C]AGCTGGTAAGTTGAGATCCTGGTTTTCATTACTGATAATGGTAGCTTTTCTGAGAATTGA-3'
Protein context (NP_000259.1, residues 284-304): KFNSSKLRVN[Lys294Gln]LILQLCIGNH